The following is an entry in ClinVar:

NM_000395.3(CSF2RB):c.1180G>A (p.Ala394Thr)

Gene: CSF2RB (colony stimulating factor 2 receptor subunit beta; plus strand). Cytogenetic location: 22q12.3.
Variant type: single nucleotide variant.
Coding change: c.1180G>A on transcript NM_000395.3 (MANE Select); coding-DNA position 1180, G replaced by A.
Protein change: p.Ala394Thr; replaces alanine 394 with threonine.
Molecular consequence: missense variant.
Genome position (GRCh38, 1-based): chr22:36,933,859, G>A. VCF-style: chr22-36933859-G-A. GRCh37 (hg19) VCF-style: chr22-37329901-G-A.
Other names: c.1198G>A, p.Ala400Thr (NM_001410827.1); short protein forms A394T, A400T.
Identifiers: ClinVar variation 3384284 (VCV003384284.2).

ClinVar aggregate classification (germline): Uncertain significance. Review status: criteria provided, multiple submitters, no conflicts (2 of 4 stars). 2 submissions from 2 submitters: Uncertain significance (2). Last evaluated 2025-12-18.

gnomAD v4.1: 29 of 1,609,720 alleles (0.0018%); highest among the groups gnomAD compares: Middle Eastern, 0.033%; no homozygotes.

Submissions (2):

Labcorp Genetics (formerly Invitae), Labcorp
Classification: Uncertain significance. Last evaluated: 2025-12-18. Review status: criteria provided, single submitter. Criteria: Invitae Variant Classification Sherloc (09022015). Collection method: clinical testing. Allele origin: germline.
Comment: This sequence change replaces alanine, which is neutral and non-polar, with threonine, which is neutral and polar, at codon 394 of the CSF2RB protein (p.Ala394Thr). This variant is present in population databases (rs760375262, gnomAD 0.006%). This variant has not been reported in the literature in individuals affected with CSF2RB-related conditions. ClinVar contains an entry for this variant (Variation ID: 3384284). Invitae Evidence Modeling of protein sequence and biophysical properties (such as structural, functional, and spatial information, amino acid conservation, physicochemical variation, residue mobility, and thermodynamic stability) indicates that this missense variant is not expected to disrupt CSF2RB protein function with a negative predictive value of 80%. In summary, the available evidence is currently insufficient to determine the role of this variant in disease. Therefore, it has been classified as a Variant of Uncertain Significance.

GeneDx
Classification: Uncertain significance. Last evaluated: 2024-06-06. Review status: criteria provided, single submitter. Criteria: GeneDx Variant Classification Process June 2021. Collection method: clinical testing. Allele origin: germline. Affected: yes.
Comment: In silico analysis indicates that this missense variant does not alter protein structure/function; Has not been previously published as pathogenic or benign to our knowledge